The following is an entry in ClinVar:

ClinVar aggregate classification (germline): Likely pathogenic (1 of 4 stars; one submission).

gnomAD v4.1: 1 of 1,614,056 alleles (0.000062%); no homozygotes.

Submission:

Labcorp Genetics (formerly Invitae), Labcorp
Classification: Likely pathogenic. Last evaluated: 2026-01-26. Review status: criteria provided, single submitter. Criteria: Invitae Variant Classification Sherloc (09022015). Collection method: clinical testing. Allele origin: germline.
Comment: This sequence change affects a donor splice site in intron 9 of the TSEN54 gene. It is expected to disrupt RNA splicing. Variants that disrupt the donor or acceptor splice site typically lead to a loss of protein function (PMID: 16199547), and loss-of-function variants in TSEN54 are known to be pathogenic (PMID: 18711368, 20952379). This variant is not present in population databases (gnomAD no frequency). This variant has not been reported in the literature in individuals affected with TSEN54-related conditions. Algorithms developed to predict the effect of sequence changes on RNA splicing suggest that this variant may disrupt the consensus splice site. In summary, the currently available evidence indicates that the variant is pathogenic, but additional data are needed to prove that conclusively. Therefore, this variant has been classified as Likely Pathogenic.

Literature cited by the submitters: PubMed 16199547; PubMed 18711368; PubMed 20952379.

NM_207346.3(TSEN54):c.1313+1G>A

Gene: TSEN54 (tRNA splicing endonuclease subunit 54; plus strand). Cytogenetic location: 17q25.1.
Variant type: single nucleotide variant.
Coding change: c.1313+1G>A on transcript NM_207346.3 (MANE Select); the canonical splice donor site of the intron after coding-DNA position 1313, G replaced by A.
Molecular consequence: splice donor variant.
Genome position (GRCh38, 1-based): chr17:75,523,336, G>A. VCF-style: chr17-75523336-G-A. GRCh37 (hg19) VCF-style: chr17-73519417-G-A.
Identifiers: ClinVar variation 4807636 (VCV004807636.1).